The following is an entry in ClinVar:

NM_000094.4(COL7A1):c.1507+1G>A

Gene: COL7A1 (collagen type VII alpha 1 chain; minus strand). Cytogenetic location: 3p21.31.
Variant type: single nucleotide variant.
Coding change: c.1507+1G>A on transcript NM_000094.4 (MANE Select); the canonical splice donor site of the intron after coding-DNA position 1507, G replaced by A.
Molecular consequence: splice donor variant.
Genome position (GRCh38, 1-based): chr3:48,591,672, C>T on the plus strand (G>A on the coding strand, the complement: COL7A1 is on the minus strand). VCF-style: chr3-48591672-C-T. GRCh37 (hg19) VCF-style: chr3-48629105-C-T.
Identifiers: ClinVar variation 2203382 (VCV002203382.5), dbSNP rs2531313503, ClinGen allele CA352733648.

ClinVar aggregate classification (germline): Pathogenic. Review status: criteria provided, multiple submitters, no conflicts (2 of 4 stars). 2 submissions from 2 submitters: Pathogenic (2). Last evaluated 2026-03-23.

Conditions:
Recessive dystrophic epidermolysis bullosa (RDEB). Also called: severe generalized recessive dystrophic epidermolysis bullosa; epidermolysis bullosa dystrophica, autosomal recessive; EPIDERMOLYSIS BULLOSA DYSTROPHICA, GENERALIZED SEVERE, AUTOSOMAL RECESSIVE; Epidermolysis Bullosa Distrophica Autosomal Recessive (RDEB); Recessive DEB (RDEB); DYSTROPHIC EPIDERMOLYSIS BULLOSA, AUTOSOMAL RECESSIVE. Identifiers: Orphanet 79408, Orphanet 79409, MedGen C0079474, MONDO:0009179, OMIM 226600.

Submissions (2):

Myriad Genetics, Inc.
Classification: Pathogenic for Recessive dystrophic epidermolysis bullosa. Last evaluated: 2026-03-23. Review status: criteria provided, single submitter. Criteria: Myriad Autosomal Dominant, Autosomal Recessive and X-Linked Classification Criteria (2023). Collection method: clinical testing. Allele origin: unknown.
Comment: NM_000094.3(COL7A1):c.1507+1G>A is a variant in a canonical splice site classified as pathogenic in the context of dystrophic epidermolysis bullosa. c.1507+1G>A has been observed in cases with relevant disease (PMID: 20060269, 36287101). Relevant functional assessments of this variant are not available in the literature. c.1507+1G>A has not been observed in referenced population frequency databases. In summary, NM_000094.3(COL7A1):c.1507+1G>A is a variant in a canonical splice site that has been observed more frequently in cases with the relevant disease than in healthy populations. Please note: this variant was assessed in the context of healthy population screening.

Labcorp Genetics (formerly Invitae), Labcorp
Classification: Pathogenic. Last evaluated: 2022-02-20. Review status: criteria provided, single submitter. Criteria: Invitae Variant Classification Sherloc (09022015). Collection method: clinical testing. Allele origin: germline.
Comment: This sequence change affects a donor splice site in intron 11 of the COL7A1 gene. It is expected to disrupt RNA splicing. Variants that disrupt the donor or acceptor splice site typically lead to a loss of protein function (PMID: 16199547), and loss-of-function variants in COL7A1 are known to be pathogenic (PMID: 16971478). This variant is not present in population databases (gnomAD no frequency). Disruption of this splice site has been observed in individuals with epidermolysis bullosa dystrophica (PMID: 20060269, 32484238). Algorithms developed to predict the effect of sequence changes on RNA splicing suggest that this variant may disrupt the consensus splice site. For these reasons, this variant has been classified as Pathogenic.

Literature cited by the submitters: PubMed 20060269 (cited by Myriad Genetics, Inc. and Labcorp Genetics (formerly Invitae), Labcorp); PubMed 36287101 (cited by Myriad Genetics, Inc.); PubMed 16199547 (cited by Labcorp Genetics (formerly Invitae), Labcorp); PubMed 16971478 (cited by Labcorp Genetics (formerly Invitae), Labcorp); PubMed 32484238 (cited by Labcorp Genetics (formerly Invitae), Labcorp).